The following is an entry in ClinVar:

NM_004320.6(ATP2A1):c.1491T>G (p.Tyr497Ter)

Gene: ATP2A1 (ATPase sarcoplasmic/endoplasmic reticulum Ca2+ transporting 1; plus strand). Cytogenetic location: 16p11.2.
Variant type: single nucleotide variant.
Coding change: c.1491T>G on transcript NM_004320.6 (MANE Select); coding-DNA position 1491, T replaced by G.
Protein change: p.Tyr497Ter; replaces tyrosine 497 with a stop codon.
Molecular consequence: nonsense.
Genome position (GRCh38, 1-based): chr16:28,898,071, T>G. VCF-style: chr16-28898071-T-G. GRCh37 (hg19) VCF-style: chr16-28909392-T-G.
Other names: c.1116T>G, p.Tyr372Ter (NM_001286075.2); c.1491T>G, p.Tyr497Ter (NM_173201.5); short protein forms Y497*, Y372*.
Identifiers: ClinVar variation 572734 (VCV000572734.7), dbSNP rs1409892710, ClinGen allele CA395409446.

ClinVar aggregate classification (germline): Pathogenic (1 of 4 stars; one submission).

Conditions:
Brody myopathy. Also called: BRODY DISEASE. Identifiers: Orphanet 53347, MedGen C1832918, MONDO:0010977, OMIM 601003.

Allele frequency attached by ClinVar (database versions not stated): gnomAD exomes below 0.00001; TOPMed below 0.00001; gnomAD 0.00001.
gnomAD v4.1: 1 of 1,614,028 alleles (0.000062%); highest among the groups gnomAD compares: African/African-American, 0.0013%; no homozygotes.

Submission:

Labcorp Genetics (formerly Invitae), Labcorp
Classification: Pathogenic for Brody myopathy. Last evaluated: 2022-07-06. Review status: criteria provided, single submitter. Criteria: Invitae Variant Classification Sherloc (09022015). Collection method: clinical testing. Allele origin: germline.
Comment: ClinVar contains an entry for this variant (Variation ID: 572734). Algorithms developed to predict the effect of sequence changes on RNA splicing suggest that this variant may create or strengthen a splice site. For these reasons, this variant has been classified as Pathogenic. This variant has not been reported in the literature in individuals affected with ATP2A1-related conditions. This variant is present in population databases (no rsID available, gnomAD 0.007%). This sequence change creates a premature translational stop signal (p.Tyr497*) in the ATP2A1 gene. It is expected to result in an absent or disrupted protein product. Loss-of-function variants in ATP2A1 are known to be pathogenic (PMID: 8841193, 10914677, 23911890).

Literature cited by the submitters: PubMed 8841193; PubMed 10914677; PubMed 23911890.